The following is an entry in ClinVar:

ClinVar aggregate classification (germline): Uncertain significance (1 of 4 stars; one submission).

Conditions:
Distal hereditary motor neuropathy type 2. Identifiers: Orphanet 139525, MedGen C3711384, MeSH C580044, MONDO:0015352.

Submission:

Labcorp Genetics (formerly Invitae), Labcorp
Classification: Uncertain significance for Distal hereditary motor neuropathy type 2. Last evaluated: 2024-08-11. Review status: criteria provided, single submitter. Criteria: Invitae Variant Classification Sherloc (09022015). Collection method: clinical testing. Allele origin: germline.
Comment: This sequence change replaces leucine, which is neutral and non-polar, with methionine, which is neutral and non-polar, at codon 300 of the FBXO38 protein (p.Leu300Met). This variant is not present in population databases (gnomAD no frequency). This variant has not been reported in the literature in individuals affected with FBXO38-related conditions. Advanced modeling of protein sequence and biophysical properties (such as structural, functional, and spatial information, amino acid conservation, physicochemical variation, residue mobility, and thermodynamic stability) performed at Invitae indicates that this missense variant is not expected to disrupt FBXO38 protein function with a negative predictive value of 80%. In summary, the available evidence is currently insufficient to determine the role of this variant in disease. Therefore, it has been classified as a Variant of Uncertain Significance.

NM_205836.3(FBXO38):c.898C>A (p.Leu300Met)

Gene: FBXO38 (F-box protein 38; plus strand). Cytogenetic location: 5q32.
Variant type: single nucleotide variant.
Coding change: c.898C>A on transcript NM_205836.3 (MANE Select); coding-DNA position 898, C replaced by A.
Protein change: p.Leu300Met; replaces leucine 300 with methionine.
Molecular consequence: missense variant.
Genome position (GRCh38, 1-based): chr5:148,409,153, C>A. VCF-style: chr5-148409153-C-A. GRCh37 (hg19) VCF-style: chr5-147788716-C-A.
Other names: c.898C>A, p.Leu300Met (NM_001271723.2, NM_030793.5); short protein forms L300M.
Identifiers: ClinVar variation 3661971 (VCV003661971.2).